The following is an entry in ClinVar:

ClinVar aggregate classification (germline): Benign. Review status: criteria provided, multiple submitters, no conflicts (2 of 4 stars). 2 submissions from 2 submitters: Benign (2). Last evaluated 2018-01-12.

Conditions:
Pyruvate kinase deficiency of red cells (CNSHA2). Also called: PK DEFICIENCY; PYRUVATE KINASE DEFICIENCY OF ERYTHROCYTE; Pyruvate kinase deficiency, Amish type. Identifiers: Orphanet 766, MedGen C0340968, MONDO:0009950, OMIM 266200.

Allele frequency attached by ClinVar (database versions not stated): gnomAD exomes 0.25926; gnomAD 0.35054 and 0.35344; TOPMed 0.36417; 1000 Genomes Project 30x 0.43598; 1000 Genomes Project 0.43850.
gnomAD v4.1: 53,484 of 152,134 alleles (35%); highest among the groups gnomAD compares: East Asian, 69%; 10,493 homozygotes.

Submissions (2):

Illumina Laboratory Services, Illumina
Classification: Benign for Pyruvate kinase deficiency of red cells. Last evaluated: 2018-01-12. Review status: criteria provided, single submitter. Criteria: ICSL Variant Classification Criteria 13 December 2019. Collection method: clinical testing. Allele origin: germline.
Comment: This variant was observed in the ICSL laboratory as part of a predisposition screen in an ostensibly healthy population. It had not been previously curated by ICSL or reported in the Human Gene Mutation Database (HGMD: prior to June 1st, 2018), and was therefore a candidate for classification through an automated scoring system. Utilizing variant allele frequency, disease prevalence and penetrance estimates, and inheritance mode, an automated score was calculated to assess if this variant is too frequent to cause the disease. Based on the score and internal cut-off values, a variant classified as benign is not then subjected to further curation. The score for this variant resulted in a classification of benign for this disease.

Breakthrough Genomics
Classification: Benign. Review status: criteria provided, single submitter. Criteria: ACMG Guidelines, 2015. Collection method: not provided. Allele origin: germline. Inheritance: Autosomal recessive inheritance. Affected: yes.

NM_000298.6(PKLR):c.*1040G>A

Genes: HCN3 (hyperpolarization activated cyclic nucleotide gated potassium channel 3; plus strand), PKLR (pyruvate kinase L/R; minus strand). Cytogenetic location: 1q22.
Variant type: single nucleotide variant.
Coding change: c.*1040G>A on transcript NM_000298.6 (MANE Select); 1040 bases downstream of the stop codon, G replaced by A.
Molecular consequence: 3 prime UTR variant. On other transcripts: non-coding transcript variant (1).
Genome position (GRCh38, 1-based): chr1:155,289,532, C>T on the plus strand (G>A on the coding strand, the complement: PKLR is on the minus strand). VCF-style: chr1-155289532-C-T. GRCh37 (hg19) VCF-style: chr1-155259323-C-T.
Other names: c.*1040G>A (NM_181871.4); c.*1069C>T (NM_020897.3).
Identifiers: ClinVar variation 292792 (VCV000292792.6), dbSNP rs8847, ClinGen allele CA10607804.